The following is an entry in ClinVar:

NM_006379.5(SEMA3C):c.889G>A (p.Gly297Ser)

Gene: SEMA3C (semaphorin 3C; minus strand). Cytogenetic location: 7q21.11.
Variant type: single nucleotide variant.
Coding change: c.889G>A on transcript NM_006379.5 (MANE Select); coding-DNA position 889, G replaced by A.
Protein change: p.Gly297Ser; replaces glycine 297 with serine.
Molecular consequence: missense variant.
Genome position (GRCh38, 1-based): chr7:80,802,692, C>T on the plus strand (G>A on the coding strand, the complement: SEMA3C is on the minus strand). VCF-style: chr7-80802692-C-T. GRCh37 (hg19) VCF-style: chr7-80432008-C-T.
Other names: c.943G>A, p.Gly315Ser (NM_001350120.2); c.715G>A, p.Gly239Ser (NM_001350121.2); short protein forms G239S, G297S, G315S.
Identifiers: ClinVar variation 3351986 (VCV003351986.1).

ClinVar aggregate classification (germline): Uncertain significance (0 of 4 stars; one submission).

Conditions:
SEMA3C-related disorder. Also called: SEMA3C-related condition.

gnomAD v4.1: 39 of 1,612,902 alleles (0.0024%); highest among the groups gnomAD compares: Non-Finnish European, 0.0029%; no homozygotes.

Submission:

PreventionGenetics, part of Exact Sciences
Classification: Uncertain significance for SEMA3C-related condition. Last evaluated: 2023-12-24. Review status: no assertion criteria provided. Collection method: clinical testing. Allele origin: germline.
Comment: The SEMA3C c.943G>A variant is predicted to result in the amino acid substitution p.Gly315Ser. To our knowledge, this variant has not been reported in the literature. This variant is reported in 0.0099% of alleles in individuals of Ashkenazi Jewish descent in gnomAD. At this time, the clinical significance of this variant is uncertain due to the absence of conclusive functional and genetic evidence.